The following is an entry in ClinVar:

ClinVar aggregate classification (germline): Uncertain significance (1 of 4 stars; one submission).

Allele frequency attached by ClinVar (database versions not stated): gnomAD 0.00001.

Submission:

Labcorp Genetics (formerly Invitae), Labcorp
Classification: Uncertain significance. Last evaluated: 2022-07-08. Review status: criteria provided, single submitter. Criteria: Invitae Variant Classification Sherloc (09022015). Collection method: clinical testing. Allele origin: germline.
Comment: In summary, the available evidence is currently insufficient to determine the role of this variant in disease. Therefore, it has been classified as a Variant of Uncertain Significance. Algorithms developed to predict the effect of missense changes on protein structure and function output the following: SIFT: "Tolerated"; PolyPhen-2: "Benign"; Align-GVGD: "Class C0". The valine amino acid residue is found in multiple mammalian species, which suggests that this missense change does not adversely affect protein function. This variant has not been reported in the literature in individuals affected with TBC1D8B-related conditions. This variant is not present in population databases (gnomAD no frequency). This sequence change replaces alanine, which is neutral and non-polar, with valine, which is neutral and non-polar, at codon 886 of the TBC1D8B protein (p.Ala886Val).

NM_017752.3(TBC1D8B):c.2657C>T (p.Ala886Val)

Gene: TBC1D8B (TBC1 domain family member 8B; plus strand). Cytogenetic location: Xq22.3.
Variant type: single nucleotide variant.
Coding change: c.2657C>T on transcript NM_017752.3 (MANE Select); coding-DNA position 2657, C replaced by T.
Protein change: p.Ala886Val; replaces alanine 886 with valine.
Molecular consequence: missense variant.
Genome position (GRCh38, 1-based): chrX:106,866,028, C>T. VCF-style: chrX-106866028-C-T. GRCh37 (hg19) VCF-style: chrX-106109258-C-T.
Other names: short protein forms A886V.
Identifiers: ClinVar variation 2013723 (VCV002013723.4), dbSNP rs1932812782, ClinGen allele CA413820592.